The following is an entry in ClinVar:

ClinVar aggregate classification (germline): Likely benign. Review status: criteria provided, multiple submitters, no conflicts (2 of 4 stars). 3 submissions from 3 submitters: Likely benign (3). Last evaluated 2025-10-02.

Allele frequency attached by ClinVar (database versions not stated): gnomAD exomes 0.00003; gnomAD 0.00006 and 0.00007; TOPMed 0.00007; ExAC 0.00009; ESP Exome Variant Server 0.00009.
gnomAD v4.1: 20 of 1,200,121 alleles (0.0017%); highest among the groups gnomAD compares: East Asian, 0.024%; no homozygotes.

Submissions (3):

Labcorp Genetics (formerly Invitae), Labcorp
Classification: Likely benign. Last evaluated: 2025-10-02. Review status: criteria provided, single submitter. Criteria: Invitae Variant Classification Sherloc (09022015). Collection method: clinical testing. Allele origin: germline.

Mayo Clinic Laboratories, Mayo Clinic
Classification: Likely benign. Last evaluated: 2025-04-01. Review status: criteria provided, single submitter. Criteria: ACMG Guidelines, 2015. Collection method: clinical testing. Allele origin: germline. Observed: 1 variant allele.
Comment: BP4, BP7

CeGaT Center for Human Genetics Tuebingen
Classification: Likely benign. Last evaluated: 2023-02-01. Review status: criteria provided, single submitter. Criteria: CeGaT Center For Human Genetics Tuebingen Variant Classification Criteria Version 2. Collection method: clinical testing. Allele origin: germline. Affected: yes. Observed: 1 variant allele.
Comment: POLA1: BP4, BP7, BS2

NM_001330360.2(POLA1):c.396C>T (p.Leu132=)

Gene: POLA1 (DNA polymerase alpha 1, catalytic subunit; plus strand). Cytogenetic location: Xp22.11.
Variant type: single nucleotide variant.
Coding change: c.396C>T on transcript NM_001330360.2 (MANE Select); coding-DNA position 396, C replaced by T.
Protein change: p.Leu132=; no amino-acid change (leucine 132 retained).
Molecular consequence: synonymous variant. On other transcripts: non-coding transcript variant (2).
Genome position (GRCh38, 1-based): chrX:24,714,603, C>T. VCF-style: chrX-24714603-C-T. GRCh37 (hg19) VCF-style: chrX-24732720-C-T.
Other names: p.Leu126=; c.396C>T, p.Leu132= (NM_001378303.1); c.378C>T, p.Leu126= (NM_016937.4).
Identifiers: ClinVar variation 1590420 (VCV001590420.34), dbSNP rs138887775, ClinGen allele CA10372770.